The following is an entry in ClinVar:

ClinVar aggregate classification (germline): Uncertain significance. Review status: criteria provided, multiple submitters, no conflicts (2 of 4 stars). 2 submissions from 2 submitters: Uncertain significance (2). Last evaluated 2025-02-09.

Conditions:
Evans syndrome, immunodeficiency, and premature immunosenescence associated with tripeptidyl-peptidase II deficiency. Identifiers: MedGen CN231723. Disease mechanism: loss of function.
Inborn genetic diseases. Identifiers: MedGen C0950123, MeSH D030342.

Allele frequency attached by ClinVar (database versions not stated): TOPMed below 0.00001; ExAC 0.00001.
gnomAD v4.1: 4 of 1,589,258 alleles (0.00025%); highest among the groups gnomAD compares: Non-Finnish European, 0.00034%; no homozygotes.

Submissions (2):

Ambry Genetics
Classification: Uncertain significance for Inborn genetic diseases. Last evaluated: 2025-02-09. Review status: criteria provided, single submitter. Criteria: Ambry Variant Classification Scheme 2023. Collection method: clinical testing. Allele origin: germline.

Labcorp Genetics (formerly Invitae), Labcorp
Classification: Uncertain significance for Evans syndrome, immunodeficiency, and premature immunosenescence associated with tripeptidyl-peptidase II deficiency. Last evaluated: 2022-07-15. Review status: criteria provided, single submitter. Criteria: Invitae Variant Classification Sherloc (09022015). Collection method: clinical testing. Allele origin: germline.
Comment: This sequence change replaces proline, which is neutral and non-polar, with serine, which is neutral and polar, at codon 996 of the TPP2 protein (p.Pro996Ser). The frequency data for this variant in the population databases is considered unreliable, as metrics indicate poor data quality at this position in the gnomAD database. This variant has not been reported in the literature in individuals affected with TPP2-related conditions. Algorithms developed to predict the effect of missense changes on protein structure and function (SIFT, PolyPhen-2, Align-GVGD) all suggest that this variant is likely to be tolerated. In summary, the available evidence is currently insufficient to determine the role of this variant in disease. Therefore, it has been classified as a Variant of Uncertain Significance.

NM_001330588.2(TPP2):c.3025C>T (p.Pro1009Ser)

Gene: TPP2 (tripeptidyl peptidase 2; plus strand). Cytogenetic location: 13q33.1.
Variant type: single nucleotide variant.
Coding change: c.3025C>T on transcript NM_001330588.2 (MANE Select); coding-DNA position 3025, C replaced by T.
Protein change: p.Pro1009Ser; replaces proline 1009 with serine.
Molecular consequence: missense variant. On other transcripts: non-coding transcript variant (1).
Genome position (GRCh38, 1-based): chr13:102,657,089, C>T. VCF-style: chr13-102657089-C-T. GRCh37 (hg19) VCF-style: chr13-103309439-C-T.
Other names: c.2986C>T, p.Pro996Ser (NM_001367947.1, NM_003291.4); c.2986C>T (NM_003291.2); short protein forms P996S, P1009S.
Identifiers: ClinVar variation 2155991 (VCV002155991.2), dbSNP rs746076087, ClinGen allele CA7038175.